The following is an entry in ClinVar:

NM_033409.4(SLC52A3):c.1198-6C>T

Gene: SLC52A3 (solute carrier family 52 member 3; minus strand). Cytogenetic location: 20p13.
Variant type: single nucleotide variant.
Coding change: c.1198-6C>T on transcript NM_033409.4 (MANE Select); 6 bases into the intron before coding-DNA position 1198, C replaced by T.
Molecular consequence: intron variant.
Genome position (GRCh38, 1-based): chr20:761,244, G>A on the plus strand (C>T on the coding strand, the complement: SLC52A3 is on the minus strand). VCF-style: chr20-761244-G-A. GRCh37 (hg19) VCF-style: chr20-741888-G-A.
Other names: c.1198-6C>T (NM_001370085.1, NM_001370086.1).
Identifiers: ClinVar variation 704896 (VCV000704896.11), dbSNP rs778730226, ClinGen allele CA9724546.

ClinVar aggregate classification (germline): Likely benign. Review status: criteria provided, multiple submitters, no conflicts (2 of 4 stars). 2 submissions from 2 submitters: Likely benign (2). Last evaluated 2026-07-28.

Conditions:
SLC52A3-related disorder. Also called: SLC52A3-related condition.
Brown-Vialetto-van Laere syndrome 1. Also called: BROWN-VIALETTO-VAN LAERE SYNDROME 1, MILD; BULBAR PALSY, PROGRESSIVE, WITH SENSORINEURAL DEAFNESS; PONTOBULBAR PALSY WITH DEAFNESS. Identifiers: Orphanet 572550, Orphanet 97229, MedGen C0796274, MONDO:0024537, OMIM 211530.

Allele frequency attached by ClinVar (database versions not stated): ExAC below 0.00001; gnomAD exomes 0.00002 and 0.00007; TOPMed 0.00003.

Submissions (2):

PreventionGenetics, part of Exact Sciences
Classification: Likely benign for SLC52A3-related condition. Last evaluated: 2026-07-28. Review status: criteria provided, single submitter. Criteria: ACMG Guidelines, 2015. Collection method: clinical testing. Allele origin: germline.
Comment: This variant is classified as likely benign based on ACMG/AMP sequence variant interpretation guidelines (Richards et al. 2015 PMID: 25741868, with internal and published modifications).

Labcorp Genetics (formerly Invitae), Labcorp
Classification: Likely benign for Brown-Vialetto-van Laere syndrome 1. Last evaluated: 2026-01-05. Review status: criteria provided, single submitter. Criteria: Invitae Variant Classification Sherloc (09022015). Collection method: clinical testing. Allele origin: germline.